The following is an entry in ClinVar:

ClinVar aggregate classification (germline): Uncertain significance (1 of 4 stars; one submission).

Submission:

Labcorp Genetics (formerly Invitae), Labcorp
Classification: Uncertain significance. Last evaluated: 2024-06-25. Review status: criteria provided, single submitter. Criteria: Invitae Variant Classification Sherloc (09022015). Collection method: clinical testing. Allele origin: germline.
Comment: This sequence change replaces phenylalanine, which is neutral and non-polar, with serine, which is neutral and polar, at codon 285 of the NFKB1 protein (p.Phe285Ser). This variant is not present in population databases (gnomAD no frequency). This variant has not been reported in the literature in individuals affected with NFKB1-related conditions. Advanced modeling of protein sequence and biophysical properties (such as structural, functional, and spatial information, amino acid conservation, physicochemical variation, residue mobility, and thermodynamic stability) performed at Invitae indicates that this missense variant is expected to disrupt NFKB1 protein function with a positive predictive value of 80%. In summary, the available evidence is currently insufficient to determine the role of this variant in disease. Therefore, it has been classified as a Variant of Uncertain Significance.

NM_003998.4(NFKB1):c.854T>C (p.Phe285Ser)

Gene: NFKB1 (nuclear factor kappa B subunit 1; plus strand). Cytogenetic location: 4q24.
Variant type: single nucleotide variant.
Coding change: c.854T>C on transcript NM_003998.4 (MANE Select); coding-DNA position 854, T replaced by C.
Protein change: p.Phe285Ser; replaces phenylalanine 285 with serine.
Molecular consequence: missense variant.
Genome position (GRCh38, 1-based): chr4:102,582,884, T>C. VCF-style: chr4-102582884-T-C. GRCh37 (hg19) VCF-style: chr4-103504041-T-C.
Other names: c.851T>C, p.Phe284Ser (NM_001165412.2, NM_001319226.2, NM_001382627.1); c.854T>C, p.Phe285Ser (NM_001382625.1, NM_001382626.1); c.812T>C, p.Phe271Ser (NM_001382628.1); short protein forms F285S, F271S, F284S.
Identifiers: ClinVar variation 3657769 (VCV003657769.2).